The following is an entry in ClinVar:

NM_001042492.3(NF1):c.8155T>C (p.Ser2719Pro)

Gene: NF1 (neurofibromin 1; plus strand). Cytogenetic location: 17q11.2.
Variant type: single nucleotide variant.
Coding change: c.8155T>C on transcript NM_001042492.3 (MANE Select); coding-DNA position 8155, T replaced by C.
Protein change: p.Ser2719Pro; replaces serine 2719 with proline.
Molecular consequence: missense variant.
Genome position (GRCh38, 1-based): chr17:31,359,010, T>C. VCF-style: chr17-31359010-T-C. GRCh37 (hg19) VCF-style: chr17-29686028-T-C.
Other names: c.8092T>C, p.Ser2698Pro (NM_000267.4); short protein forms S2698P, S2719P.
Identifiers: ClinVar variation 3879065 (VCV003879065.1).

ClinVar aggregate classification (germline): Uncertain significance (1 of 4 stars; one submission).

Conditions:
Cardiovascular phenotype. Identifiers: MedGen CN230736.
Hereditary cancer-predisposing syndrome. Also called: Tumor predisposition; Neoplastic Syndromes, Hereditary; Hereditary Cancer Syndrome; Hereditary neoplastic syndrome. Identifiers: Orphanet 140162, MedGen C0027672, MeSH D009386, MONDO:0015356.

Submission:

Ambry Genetics
Classification: Uncertain significance for Cardiovascular phenotype; Hereditary cancer-predisposing syndrome. Last evaluated: 2025-02-03. Review status: criteria provided, single submitter. Criteria: Ambry Variant Classification Scheme 2023. Collection method: clinical testing. Allele origin: germline.
Comment: The p.S2698P variant (also known as c.8092T>C), located in coding exon 55 of the NF1 gene, results from a T to C substitution at nucleotide position 8092. The serine at codon 2698 is replaced by proline, an amino acid with similar properties. This amino acid position is highly conserved in available vertebrate species. In addition, the in silico prediction for this alteration is inconclusive. Based on the available evidence, the clinical significance of this variant remains unclear.